The following is an entry in ClinVar:

NM_001394062.1(MACF1):c.17431A>G (p.Thr5811Ala)

Gene: MACF1 (microtubule actin crosslinking factor 1; plus strand). Cytogenetic location: 1p34.3.
Variant type: single nucleotide variant.
Coding change: c.17431A>G on transcript NM_001394062.1 (MANE Select); coding-DNA position 17431, A replaced by G.
Protein change: p.Thr5811Ala; replaces threonine 5811 with alanine.
Molecular consequence: missense variant.
Genome position (GRCh38, 1-based): chr1:39,432,628, A>G. VCF-style: chr1-39432628-A-G. GRCh37 (hg19) VCF-style: chr1-39898300-A-G.
Other names: c.5500A>G, p.Thr1834Ala (NM_001397473.1); c.11245A>G, p.Thr3749Ala (NM_012090.5); short protein forms T1834A, T3749A, T5811A.
Identifiers: ClinVar variation 3637892 (VCV003637892.2).

ClinVar aggregate classification (germline): Uncertain significance (1 of 4 stars; one submission).

Submission:

Labcorp Genetics (formerly Invitae), Labcorp
Classification: Uncertain significance. Last evaluated: 2024-03-06. Review status: criteria provided, single submitter. Criteria: Invitae Variant Classification Sherloc (09022015). Collection method: clinical testing. Allele origin: germline.
Comment: This sequence change replaces threonine, which is neutral and polar, with alanine, which is neutral and non-polar, at codon 3749 of the MACF1 protein (p.Thr3749Ala). This variant is not present in population databases (gnomAD no frequency). This variant has not been reported in the literature in individuals affected with MACF1-related conditions. An algorithm developed to predict the effect of missense changes on protein structure and function (PolyPhen-2) suggests that this variant is likely to be disruptive. In summary, the available evidence is currently insufficient to determine the role of this variant in disease. Therefore, it has been classified as a Variant of Uncertain Significance.